The following is an entry in ClinVar:

ClinVar aggregate classification (germline): Uncertain significance (1 of 4 stars; one submission).

Conditions:
Hypertrophic cardiomyopathy. Also called: HYPERTROPHIC MYOCARDIOPATHY. Identifiers: Orphanet 217569, MedGen C0007194, MeSH D002312, MONDO:0005045, HP:0001639.

Submission:

Labcorp Genetics (formerly Invitae), Labcorp
Classification: Uncertain significance for Hypertrophic cardiomyopathy. Last evaluated: 2025-12-09. Review status: criteria provided, single submitter. Criteria: Invitae Variant Classification Sherloc (09022015). Collection method: clinical testing. Allele origin: germline.
Comment: This variant, c.619_621del, results in the deletion of 1 amino acid(s) of the MYH7 protein (p.Lys207del), but otherwise preserves the integrity of the reading frame. This variant is not present in population databases (gnomAD no frequency). This variant has not been reported in the literature in individuals affected with MYH7-related conditions. Experimental studies and prediction algorithms are not available or were not evaluated, and the functional significance of this variant is currently unknown. This variant is found within a region of MYH7 between codons 181 and 937 that contains the majority of the myosin head domain. Missense variants in this region have been shown to be significantly overrepresented in individuals with hypertrophic cardiomyopathy (PMID: 27532257). In summary, the available evidence is currently insufficient to determine the role of this variant in disease. Therefore, it has been classified as a Variant of Uncertain Significance.

Literature cited by the submitters: PubMed 27532257.

NM_000257.4(MYH7):c.616AAG[1] (p.Lys207del)

Gene: MYH7 (myosin heavy chain 7; minus strand). Cytogenetic location: 14q11.2.
Variant type: Microsatellite.
Coding change: c.616AAG[1] on transcript NM_000257.4 (MANE Select); one copy of the 3-base unit AAG starting at c.616; the reference has two copies in a row; one copy, 3 bases deleted.
Protein change: p.Lys207del; deletes lysine 207.
Molecular consequence: inframe deletion.
Genome position (GRCh38, 1-based): chr14:23,431,779-23,431,781, CTT deleted on the plus strand (AAG on the coding strand, the reverse complement: MYH7 is on the minus strand); deleting any 3 consecutive bases within chr14:23,431,779-23,431,784 gives the same sequence; the position shown is the placement nearest the transcript's 3' end. VCF-style (leftmost placement, unchanged base first): chr14-23431778-CCTT-C. GRCh37 (hg19) VCF-style: chr14-23900987-CCTT-C.
Other names: short protein forms K207del.
Identifiers: ClinVar variation 650845 (VCV000650845.10), dbSNP rs1595089639, ClinGen allele CA915948851.